The following is an entry in ClinVar:

NM_001278116.2(L1CAM):c.1146C>G (p.Tyr382Ter)

Gene: L1CAM (L1 cell adhesion molecule; minus strand). Cytogenetic location: Xq28.
Variant type: single nucleotide variant.
Coding change: c.1146C>G on transcript NM_001278116.2 (MANE Select); coding-DNA position 1146, C replaced by G.
Protein change: p.Tyr382Ter; replaces tyrosine 382 with a stop codon.
Molecular consequence: nonsense.
Genome position (GRCh38, 1-based): chrX:153,869,641, G>C on the plus strand (C>G on the coding strand, the complement: L1CAM is on the minus strand). VCF-style: chrX-153869641-G-C. GRCh37 (hg19) VCF-style: chrX-153135096-G-C.
Other names: c.1146C>G, p.Tyr382Ter (NM_000425.5, NM_024003.3); c.1131C>G, p.Tyr377Ter (NM_001143963.2); short protein forms Y382*, Y377*.
Identifiers: ClinVar variation 280513 (VCV000280513.2), dbSNP rs886041704, ClinGen allele CA10603709.
Genomic context (GRCh38, chrX:153,869,641, plus strand): 5'-GGTCACCATTGTGTCACTGGGCTGCACGTTGCTCAGGATCAGGGCGCCACGCTGAATCCG[G>C]TACTTCTGGTCTTTGGCCAGCTCTGTGCATGCAGCAGGTGGGCCCATGGGCCACAGCCCG-3'

ClinVar aggregate classification (germline): Pathogenic (1 of 4 stars; one submission).

Submission:

GeneDx
Classification: Pathogenic. Last evaluated: 2016-04-14. Review status: criteria provided, single submitter. Criteria: GeneDx Variant Classification (06012015). Collection method: clinical testing. Allele origin: germline. Affected: yes.
Comment: The Y382X nonsense variant in the L1CAM gene is predicted to cause loss of normal proteinfunction either through protein truncation or nonsense-mediated mRNA decay. The Y382X variantwas not observed in approximately 6,500 individuals of European and African American ancestry inthe NHLBI Exome Sequencing Project, indicating it is not a common benign variant in thesepopulations. In addition, another nucleotide substitution (c.1146 C>A) resulting in the same nonsensevariant at the protein level has been reported in association with hydrocephalus (Yamasaki et al.,2011).